The following is an entry in ClinVar:

ClinVar aggregate classification (germline): Uncertain significance (0 of 4 stars; one submission).

Conditions:
Prostate cancer. Also called: Malignant tumor of prostate. Identifiers: Orphanet 1331, MedGen C0376358, MONDO:0008315, HP:0012125.

Submission:

Science for Life laboratory,  Karolinska Institutet
Classification: Uncertain significance for Malignant tumor of prostate. Review status: no assertion criteria provided. Collection method: not provided. Allele origin: somatic.
Comment: TumorID:SWE-16
ClinVar note: Converted during submission from Unknown to Uncertain significance.

NM_175709.5(CBX7):c.227C>G (p.Pro76Arg)

Gene: CBX7 (chromobox 7; minus strand). Cytogenetic location: 22q13.1.
Variant type: single nucleotide variant.
Coding change: c.227C>G on transcript NM_175709.5 (MANE Select); coding-DNA position 227, C replaced by G.
Protein change: p.Pro76Arg; replaces proline 76 with arginine.
Molecular consequence: missense variant.
Genome position (GRCh38, 1-based): chr22:39,138,655, G>C on the plus strand (C>G on the coding strand, the complement: CBX7 is on the minus strand). VCF-style: chr22-39138655-G-C. GRCh37 (hg19) VCF-style: chr22-39534660-G-C.
Other names: c.227C>G, p.Pro76Arg (NM_001346743.2, NM_001346744.2); short protein forms P76R.
Identifiers: ClinVar variation 161834 (VCV000161834.2), dbSNP rs193920857, ClinGen allele CA174874.
Genomic context (GRCh38, chr22:39,138,655, plus strand): 5'-TGGGCAGGGGGAGAAAGGAGGCACAAAGGCAGGCTGGTTACCTGCAGCAGAAGCCGCTTG[G>C]GTTTCGGACCTCTCTTCCTATACCCCGATGCTCGGTCTCTCTCCTCCCTGGGGTGTGAAG-3'
Protein context (NP_783640.1, residues 66-86): ASGYRKRGPK[Pro76Arg]KRLLLQRLYS